The following is an entry in ClinVar:

ClinVar aggregate classification (germline): Likely pathogenic (1 of 4 stars; one submission).

Conditions:
Long chain 3-hydroxyacyl-CoA dehydrogenase deficiency. Also called: LCHAD Deficiency; Deficiency of long-chain 3-hydroxyacyl-coenzyme A dehydrogenase. Identifiers: Orphanet 5, MedGen C3711645, MONDO:0012173, OMIM 609016.

Submission:

Myriad Genetics, Inc.
Classification: Likely pathogenic for Long chain 3-hydroxyacyl-CoA dehydrogenase deficiency. Last evaluated: 2019-12-26. Review status: criteria provided, single submitter. Criteria: Myriad Autosomal Dominant, Autosomal Recessive and X-Linked Classification Criteria (2023). Collection method: clinical testing. Allele origin: unknown.
Comment: NM_000182.4(HADHA):c.439G>T(G147*) is expected to be pathogenic in the context of HADHA-related disorders. This variant is predicted to lead to an abnormal or absent protein product due to the creation of a premature termination codon in HADHA, a gene where loss-of-function variants are known to be pathogenic. Please note: this variant was assessed in the context of healthy population screening.

NM_000182.5(HADHA):c.439G>T (p.Gly147Ter)

Gene: HADHA (hydroxyacyl-CoA dehydrogenase trifunctional multienzyme complex subunit alpha; minus strand). Cytogenetic location: 2p23.3.
Variant type: single nucleotide variant.
Coding change: c.439G>T on transcript NM_000182.5 (MANE Select); coding-DNA position 439, G replaced by T.
Protein change: p.Gly147Ter; replaces glycine 147 with a stop codon.
Molecular consequence: nonsense.
Genome position (GRCh38, 1-based): chr2:26,234,231, C>A on the plus strand (G>T on the coding strand, the complement: HADHA is on the minus strand). VCF-style: chr2-26234231-C-A. GRCh37 (hg19) VCF-style: chr2-26457099-C-A.
Other names: short protein forms G147*.
Identifiers: ClinVar variation 983871 (VCV000983871.4), dbSNP rs1460602961, ClinGen allele CA346093392.